The following is an entry in ClinVar:

NM_001042492.3(NF1):c.4401del (p.Phe1467fs)

Gene: NF1 (neurofibromin 1; plus strand). Cytogenetic location: 17q11.2.
Variant type: Deletion.
Coding change: c.4401del on transcript NM_001042492.3 (MANE Select); coding-DNA position 4401, one base deleted (T; older notation c.4401delT).
Protein change: p.Phe1467fs; shifts the reading frame from phenylalanine 1467.
Molecular consequence: frameshift variant.
Genome position (GRCh38, 1-based): chr17:31,259,100, T deleted; the last of 4 consecutive T bases (chr17:31,259,097-31,259,100); deleting any one gives the same sequence. VCF-style (leftmost placement, unchanged base first): chr17-31259096-AT-A. GRCh37 (hg19) VCF-style: chr17-29586114-AT-A.
Other names: c.4338delT, p.Phe1446Leufs (NM_000267.4); short protein forms F1467fs, F1446fs.
Identifiers: ClinVar variation 2169590 (VCV002169590.4), dbSNP rs2508414069, ClinGen allele CA2580093040.
Genomic context (GRCh38, chr17:31,259,096, plus strand): 5'-TTCAGAGTATTGCCAATCATGTTCTCTTCACAAAAGAAGAACATATGCGGCCTTTCAATG[AT>A]TTTGTGAAAAGCAACTTTGATGCAGCACGCAGGTAATTTTCTTGCCACTTACTCAGTTGC-3'

ClinVar aggregate classification (germline): Pathogenic (1 of 4 stars; one submission).

Conditions:
Neurofibromatosis, type 1 (NF1). Also called: Neurofibromatosis, type I; VON RECKLINGHAUSEN DISEASE; Peripheral type neurofibromatosis; NEUROFIBROMATOSIS, TYPE I, SOMATIC. Identifiers: Orphanet 636, MedGen C0027831, MONDO:0018975, OMIM 162200. Disease mechanism: loss of function.

Submission:

Labcorp Genetics (formerly Invitae), Labcorp
Classification: Pathogenic for Neurofibromatosis, type 1. Last evaluated: 2023-01-13. Review status: criteria provided, single submitter. Criteria: Invitae Variant Classification Sherloc (09022015). Collection method: clinical testing. Allele origin: germline.
Comment: For these reasons, this variant has been classified as Pathogenic. This premature translational stop signal has been observed in individual(s) with neurofibromatosis type 1 (PMID: 29673180). This variant is not present in population databases (gnomAD no frequency). This sequence change creates a premature translational stop signal (p.Phe1446Leufs*2) in the NF1 gene. It is expected to result in an absent or disrupted protein product. Loss-of-function variants in NF1 are known to be pathogenic (PMID: 10712197, 23913538).

Literature cited by the submitters: PubMed 29673180; PubMed 10712197; PubMed 23913538.